The following is an entry in ClinVar:

NM_001006630.2(CHRM2):c.829G>A (p.Gly277Arg)

Genes: CHRM2 (cholinergic receptor muscarinic 2; plus strand), LOC349160 (uncharacterized LOC349160; minus strand). Cytogenetic location: 7q33.
Variant type: single nucleotide variant.
Coding change: c.829G>A on transcript NM_001006630.2 (MANE Select); coding-DNA position 829, G replaced by A.
Protein change: p.Gly277Arg; replaces glycine 277 with arginine.
Molecular consequence: missense variant.
Genome position (GRCh38, 1-based): chr7:137,015,694, G>A. VCF-style: chr7-137015694-G-A. GRCh37 (hg19) VCF-style: chr7-136700441-G-A.
Other names: c.829G>A, p.Gly277Arg (NM_000739.3, NM_001006626.3, NM_001006627.3 and 6 more transcripts); short protein forms G277R.
Identifiers: ClinVar variation 2913175 (VCV002913175.3), dbSNP rs2536208330, ClinGen allele CA369487369.

ClinVar aggregate classification (germline): Uncertain significance (1 of 4 stars; one submission).

Allele frequency attached by ClinVar (database versions not stated): gnomAD exomes below 0.00001.
gnomAD v4.1: 3 of 1,613,180 alleles (0.00019%); highest among the groups gnomAD compares: Non-Finnish European, 0.00025%; no homozygotes.

Submission:

Labcorp Genetics (formerly Invitae), Labcorp
Classification: Uncertain significance. Last evaluated: 2026-01-14. Review status: criteria provided, single submitter. Criteria: Invitae Variant Classification Sherloc (09022015). Collection method: clinical testing. Allele origin: germline.
Comment: This sequence change replaces glycine, which is neutral and non-polar, with arginine, which is basic and polar, at codon 277 of the CHRM2 protein (p.Gly277Arg). This variant is not present in population databases (gnomAD no frequency). This variant has not been reported in the literature in individuals affected with CHRM2-related conditions. ClinVar contains an entry for this variant (Variation ID: 2913175). An algorithm developed to predict the effect of missense changes on protein structure and function (PolyPhen-2) suggests that this variant is likely to be disruptive. In summary, the available evidence is currently insufficient to determine the role of this variant in disease. Therefore, it has been classified as a Variant of Uncertain Significance.